The following is an entry in ClinVar:

ClinVar aggregate classification (germline): Uncertain significance (1 of 4 stars; one submission).

gnomAD v4.1: 4 of 1,614,044 alleles (0.00025%); highest among the groups gnomAD compares: Non-Finnish European, 0.00034%; no homozygotes.

Submission:

Labcorp Genetics (formerly Invitae), Labcorp
Classification: Uncertain significance. Last evaluated: 2025-06-29. Review status: criteria provided, single submitter. Criteria: Invitae Variant Classification Sherloc (09022015). Collection method: clinical testing. Allele origin: germline.
Comment: This sequence change replaces proline, which is neutral and non-polar, with arginine, which is basic and polar, at codon 2896 of the SRCAP protein (p.Pro2896Arg). This variant is present in population databases (no rsID available, gnomAD 0.0009%). This variant has not been reported in the literature in individuals affected with SRCAP-related conditions. Invitae Evidence Modeling of protein sequence and biophysical properties (such as structural, functional, and spatial information, amino acid conservation, physicochemical variation, residue mobility, and thermodynamic stability) indicates that this missense variant is not expected to disrupt SRCAP protein function with a negative predictive value of 80%. In summary, the available evidence is currently insufficient to determine the role of this variant in disease. Therefore, it has been classified as a Variant of Uncertain Significance.

NM_006662.3(SRCAP):c.8687C>G (p.Pro2896Arg)

Gene: SRCAP (Snf2 related CREBBP activator protein; plus strand). Cytogenetic location: 16p11.2.
Variant type: single nucleotide variant.
Coding change: c.8687C>G on transcript NM_006662.3 (MANE Select); coding-DNA position 8687, C replaced by G.
Protein change: p.Pro2896Arg; replaces proline 2896 with arginine.
Molecular consequence: missense variant.
Genome position (GRCh38, 1-based): chr16:30,738,727, C>G. VCF-style: chr16-30738727-C-G. GRCh37 (hg19) VCF-style: chr16-30750048-C-G.
Other names: short protein forms P2896R.
Identifiers: ClinVar variation 4748247 (VCV004748247.1).